The following is an entry in ClinVar:

ClinVar aggregate classification (germline): Likely benign (1 of 4 stars; one submission).

Conditions:
Purine-nucleoside phosphorylase deficiency. Also called: Immunodeficiency due to purine nucleoside phosphorylase deficiency; NUCLEOSIDE PHOSPHORYLASE DEFICIENCY. Identifiers: Orphanet 760, MedGen C0268125, MONDO:0013171, OMIM 613179.

Allele frequency attached by ClinVar (database versions not stated): gnomAD exomes 0.00025; gnomAD 0.00220 and 0.00235; TOPMed 0.00238; 1000 Genomes Project 0.00280; 1000 Genomes Project 30x 0.00297.

Submission:

Illumina Laboratory Services, Illumina
Classification: Likely benign for Purine-nucleoside phosphorylase deficiency. Last evaluated: 2018-01-12. Review status: criteria provided, single submitter. Criteria: ICSL Variant Classification Criteria 13 December 2019. Collection method: clinical testing. Allele origin: germline.
Comment: This variant was observed in the ICSL laboratory as part of a predisposition screen in an ostensibly healthy population. It had not been previously curated by ICSL or reported in the Human Gene Mutation Database (HGMD: prior to June 1st, 2018), and was therefore a candidate for classification through an automated scoring system. Utilizing variant allele frequency, disease prevalence and penetrance estimates, and inheritance mode, an automated score was calculated to assess if this variant is too frequent to cause the disease. Based on the score and internal cut-off values, a variant classified as likely benign is not then subjected to further curation. The score for this variant resulted in a classification of likely benign for this disease.

NM_000270.4(PNP):c.*178C>T

Gene: PNP (purine nucleoside phosphorylase; plus strand). Cytogenetic location: 14q11.2.
Variant type: single nucleotide variant.
Coding change: c.*178C>T on transcript NM_000270.4 (MANE Select); 178 bases downstream of the stop codon, C replaced by T.
Molecular consequence: 3 prime UTR variant.
Genome position (GRCh38, 1-based): chr14:20,476,779, C>T. VCF-style: chr14-20476779-C-T. GRCh37 (hg19) VCF-style: chr14-20944938-C-T.
Identifiers: ClinVar variation 881211 (VCV000881211.4), dbSNP rs76571622, ClinGen allele CA257418901.
Genomic context (GRCh38, chr14:20,476,779, plus strand): 5'-CCTGTCCTTCACCTTTCCCACTTTCTTCTACCAGACCCTTCTGGTGCCAGATCCTCTTCT[C>T]AAAGCTGGGATTACAGGTGTGAGCATAGTGAGACCTTGGCGCTACAAAATAAAGCTGTTC-3'